The following is an entry in ClinVar:

NM_000061.3(BTK):c.270del (p.Glu90fs)

Gene: BTK (Bruton tyrosine kinase; minus strand). Cytogenetic location: Xq22.1.
Variant type: Deletion.
Coding change: c.270del on transcript NM_000061.3 (MANE Select); coding-DNA position 270, one base deleted (G; older notation c.270delG).
Protein change: p.Glu90fs; shifts the reading frame from glutamic acid 90.
Molecular consequence: frameshift variant.
Genome position (GRCh38, 1-based): chrX:101,371,672, C deleted on the plus strand (G on the coding strand, the reverse complement: BTK is on the minus strand). VCF-style (leftmost placement, unchanged base first): chrX-101371671-GC-G. GRCh37 (hg19) VCF-style: chrX-100626659-GC-G.
Other names: c.372del, p.Glu124fs (NM_001287344.2); c.270del, p.Glu90fs (NM_001287345.2); c.270delG (NM_000061.2); short protein forms E124fs, E90fs.
Identifiers: ClinVar variation 642455 (VCV000642455.7), dbSNP rs1603017538, ClinGen allele CA915951323.

ClinVar aggregate classification (germline): Pathogenic (1 of 4 stars; one submission).

Conditions:
X-linked agammaglobulinemia with growth hormone deficiency (IGHD3). Also called: AGAMMAGLOBULINEMIA AND ISOLATED GROWTH HORMONE DEFICIENCY, X-LINKED; FLEISHER SYNDROME; HYPOGAMMAGLOBULINEMIA AND ISOLATED GROWTH HORMONE DEFICIENCY, X-LINKED; IGHD III; Isolated growth hormone deficiency type 3; Growth hormone deficiency with hypogammaglobulinemia. Identifiers: Orphanet 231692, Orphanet 631, MedGen C0472813, MONDO:0010615, OMIM 307200.

Submission:

Labcorp Genetics (formerly Invitae), Labcorp
Classification: Pathogenic for X-linked agammaglobulinemia with growth hormone deficiency. Last evaluated: 2024-06-13. Review status: criteria provided, single submitter. Criteria: Invitae Variant Classification Sherloc (09022015). Collection method: clinical testing. Allele origin: germline.
Comment: This sequence change creates a premature translational stop signal (p.Glu90Aspfs*31) in the BTK gene. It is expected to result in an absent or disrupted protein product. Loss-of-function variants in BTK are known to be pathogenic (PMID: 15661032, 16862044, 19419768). This variant is not present in population databases (gnomAD no frequency). This variant has not been reported in the literature in individuals affected with BTK-related conditions. ClinVar contains an entry for this variant (Variation ID: 642455). For these reasons, this variant has been classified as Pathogenic.

Literature cited by the submitters: PubMed 15661032; PubMed 16862044; PubMed 19419768.